The following is an entry in ClinVar:

ClinVar aggregate classification (germline): Uncertain significance (1 of 4 stars; one submission).

Submission:

GeneDx
Classification: Uncertain significance. Last evaluated: 2026-03-16. Review status: criteria provided, single submitter. Criteria: GeneDx Variant Classification Process June 2021. Collection method: clinical testing. Allele origin: germline.
Comment: Not observed at significant frequency in large population cohorts (gnomAD); In silico analysis supports that this missense variant has a deleterious effect on protein structure/function; Although located in a calcium-binding EGF-like domain of the FBN2 gene, it does not substitute or introduce a cysteine residue (PMID: 19006240, 18767143); Has not been previously published as pathogenic or benign to our knowledge; This variant is associated with the following publications: (PMID: 19006240, 18767143)

NM_001999.4(FBN2):c.4166G>T (p.Gly1389Val)

Gene: FBN2 (fibrillin 2; minus strand). Cytogenetic location: 5q23.3.
Variant type: single nucleotide variant.
Coding change: c.4166G>T on transcript NM_001999.4 (MANE Select); coding-DNA position 4166, G replaced by T.
Protein change: p.Gly1389Val; replaces glycine 1389 with valine.
Molecular consequence: missense variant.
Genome position (GRCh38, 1-based): chr5:128,332,968, C>A on the plus strand (G>T on the coding strand, the complement: FBN2 is on the minus strand). VCF-style: chr5-128332968-C-A. GRCh37 (hg19) VCF-style: chr5-127668660-C-A.
Other names: short protein forms G1389V.
Identifiers: ClinVar variation 5009052 (VCV005009052.1).